The following is an entry in ClinVar:

ClinVar aggregate classification (germline): Uncertain significance (1 of 4 stars; one submission).

Conditions:
X-linked intellectual disability, Cantagrel type (XLID98). Also called: INTELLECTUAL DEVELOPMENTAL DISORDER, X-LINKED 98. Identifiers: Orphanet 85277, MedGen C3806730, MONDO:0010483, OMIM 300912.

gnomAD v4.1: 3 of 1,208,766 alleles (0.00025%); highest among the groups gnomAD compares: Non-Finnish European, 0.00034%; no homozygotes.

Submission:

Pittsburgh Clinical Genomics Laboratory, University of Pittsburgh Medical Center
Classification: Uncertain significance for X-linked intellectual disability, Cantagrel type. Last evaluated: 2024-04-22. Review status: criteria provided, single submitter. Criteria: ACMG Guidelines, 2015. Collection method: clinical testing. Allele origin: germline. Inheritance: X-linked dominant inheritance. Affected: yes.
Comment: This sequence variant is a single nucleotide substitution (C>A) at position 2462 of the coding sequence of the NEXMIF gene that results in an alanine to aspartic acid amino acid change at residue 821 of the neurite extension and migration factor protein. This variant is absent from ClinVar and has not been observed in an individual affected by a NEXMIF-related disorder in the published literature, to our knowledge. This variant is present in 1 of 111867 alleles (0.0009%) in the gnomAD population dataset. Multiple bioinformatic tools predict that this amino acid change would be damaging, and the Ala821 residue at this position is highly conserved across the vertebrate species examined. Studies examining the functional consequence of this variant have not been published, to our knowledge. At this time, there is insufficient evidence to determine if this variant is pathogenic or benign. Therefore, we consider this a variant of uncertain significance. ACMG Criteria: PM2, PP3

NM_001008537.3(NEXMIF):c.2462C>A (p.Ala821Asp)

Gene: NEXMIF (neurite extension and migration factor; minus strand). Cytogenetic location: Xq13.3.
Variant type: single nucleotide variant.
Coding change: c.2462C>A on transcript NM_001008537.3 (MANE Select); coding-DNA position 2462, C replaced by A.
Protein change: p.Ala821Asp; replaces alanine 821 with aspartic acid.
Molecular consequence: missense variant.
Genome position (GRCh38, 1-based): chrX:74,742,095, G>T on the plus strand (C>A on the coding strand, the complement: NEXMIF is on the minus strand). VCF-style: chrX-74742095-G-T. GRCh37 (hg19) VCF-style: chrX-73961930-G-T.
Other names: short protein forms A821D.
Identifiers: ClinVar variation 3376464 (VCV003376464.1).